The following is an entry in ClinVar:

ClinVar aggregate classification (germline): Uncertain significance (1 of 4 stars; one submission).

Allele frequency attached by ClinVar (database versions not stated): gnomAD exomes 0.00002.
gnomAD v4.1: 30 of 1,613,988 alleles (0.0019%); highest among the groups gnomAD compares: Non-Finnish European, 0.0025%; no homozygotes.

Submission:

GeneDx
Classification: Uncertain significance. Last evaluated: 2022-01-04. Review status: criteria provided, single submitter. Criteria: GeneDx Variant Classification Process June 2021. Collection method: clinical testing. Allele origin: germline. Affected: yes.
Comment: Not observed at significant frequency in large population cohorts (gnomAD); In silico analysis supports that this missense variant has a deleterious effect on protein structure/function; Has not been previously published as pathogenic or benign to our knowledge

NM_001085458.2(CTNND1):c.1370T>C (p.Val457Ala)

Genes: CTNND1 (catenin delta 1; plus strand), TMX2-CTNND1 (TMX2-CTNND1 readthrough (NMD candidate); plus strand). Cytogenetic location: 11q12.1.
Variant type: single nucleotide variant.
Coding change: c.1370T>C on transcript NM_001085458.2 (MANE Select); coding-DNA position 1370, T replaced by C.
Protein change: p.Val457Ala; replaces valine 457 with alanine.
Molecular consequence: missense variant. On other transcripts: non-coding transcript variant (1).
Genome position (GRCh38, 1-based): chr11:57,802,146, T>C. VCF-style: chr11-57802146-T-C. GRCh37 (hg19) VCF-style: chr11-57569618-T-C.
Other names: c.1370T>C, p.Val457Ala (NM_001085459.2, NM_001085460.2, NM_001085461.2 and 3 more transcripts); c.1067T>C, p.Val356Ala (NM_001085463.2, NM_001085464.2, NM_001085465.2 and 5 more transcripts); c.1208T>C, p.Val403Ala (NM_001206883.2, NM_001206884.2, NM_001206886.2 and 4 more transcripts); short protein forms V356A, V403A, V457A.
Identifiers: ClinVar variation 1693333 (VCV001693333.2), dbSNP rs775746543, ClinGen allele CA223096276.